The following is an entry in ClinVar:

ClinVar aggregate classification (germline): Uncertain significance (1 of 4 stars; one submission).

gnomAD v4.1: 4 of 1,204,846 alleles (0.00033%); highest among the groups gnomAD compares: East Asian, 0.003%; no homozygotes.

Submission:

GeneDx
Classification: Uncertain significance. Last evaluated: 2026-02-28. Review status: criteria provided, single submitter. Criteria: GeneDx Variant Classification Process June 2021. Collection method: clinical testing. Allele origin: germline.
Comment: Not observed at significant frequency in large population cohorts (gnomAD); Has not been previously published as pathogenic or benign to our knowledge; Nonsense variant predicted to result in protein truncation as the last 3 amino acids are lost with an unclear effect on protein function

NM_005765.3(ATP6AP2):c.1042C>T (p.Arg348Ter)

Gene: ATP6AP2 (ATPase H+ transporting accessory protein 2; plus strand). Cytogenetic location: Xp11.4.
Variant type: single nucleotide variant.
Coding change: c.1042C>T on transcript NM_005765.3 (MANE Select); coding-DNA position 1042, C replaced by T.
Protein change: p.Arg348Ter; replaces arginine 348 with a stop codon.
Molecular consequence: nonsense.
Genome position (GRCh38, 1-based): chrX:40,605,744, C>T. VCF-style: chrX-40605744-C-T. GRCh37 (hg19) VCF-style: chrX-40464996-C-T.
Other names: short protein forms R348*.
Identifiers: ClinVar variation 5010103 (VCV005010103.1).
Genomic context (GRCh38, chrX:40,605,744, plus strand): 5'-ATTTGGAACATGGATCCTGGATATGATAGCATCATTTATAGGATGACAAACCAGAAGATT[C>T]GAATGGATTGAATGTTACCTGTGCCAGAATTAGAAAAGGGGGTTGGAAATTGGCTGTTTT-3'